The following is an entry in ClinVar:

NM_001256071.3(RNF213):c.11124C>T (p.Asn3708=)

Genes: RNF213 (ring finger protein 213; plus strand), RNF213-AS1 (RNF213 antisense RNA 1; minus strand). Cytogenetic location: 17q25.3.
Variant type: single nucleotide variant.
Coding change: c.11124C>T on transcript NM_001256071.3 (MANE Select); coding-DNA position 11124, C replaced by T.
Protein change: p.Asn3708=; no amino-acid change (asparagine 3708 retained).
Molecular consequence: synonymous variant.
Genome position (GRCh38, 1-based): chr17:80,360,130, C>T. VCF-style: chr17-80360130-C-T. GRCh37 (hg19) VCF-style: chr17-78333930-C-T.
Other names: p.Asn3708=.
Identifiers: ClinVar variation 720542 (VCV000720542.12), dbSNP rs115067038, ClinGen allele CA8821710.
Genomic context (GRCh38, chr17:80,360,130, plus strand): 5'-TGAGATGGCCTACATCGTGGTGCAGAACCACATGAACCTTTCCGAGAACGCTTCCAACAA[C>T]GTCCCTTTCAGCTGGAAAATCAAGGACTATCTGGAGGAGCTGTGGGTCCAGGCTCAGTAC-3'
Protein context (NP_001243000.2, residues 3698-3718): HMNLSENASN[Asn3708=]VPFSWKIKDY

ClinVar aggregate classification (germline): Benign. Review status: criteria provided, multiple submitters, no conflicts (2 of 4 stars). 3 submissions from 3 submitters: Benign (3). Last evaluated 2026-01-25.

Allele frequency attached by ClinVar (database versions not stated): TOPMed 0.00868; gnomAD exomes 0.00072 and 0.00206; ExAC 0.00260; 1000 Genomes Project 0.00739; gnomAD 0.00750 and 0.00807; 1000 Genomes Project 30x 0.00765; ESP Exome Variant Server 0.00830.
gnomAD v4.1: 2,252 of 1,614,084 alleles (0.14%); highest among the groups gnomAD compares: African/African-American, 2.6%; 27 homozygotes.

Submissions (3):

Labcorp Genetics (formerly Invitae), Labcorp
Classification: Benign. Last evaluated: 2026-01-25. Review status: criteria provided, single submitter. Criteria: Invitae Variant Classification Sherloc (09022015). Collection method: clinical testing. Allele origin: germline.

Mayo Clinic Laboratories, Mayo Clinic
Classification: Benign. Last evaluated: 2023-06-30. Review status: criteria provided, single submitter. Criteria: ACMG Guidelines, 2015. Collection method: clinical testing. Allele origin: germline. Observed: 5 variant alleles.
Comment: BS1, BS2, BP4, BP7

Breakthrough Genomics
Classification: Benign. Review status: criteria provided, single submitter. Criteria: ACMG Guidelines, 2015. Collection method: not provided. Allele origin: germline. Inheritance: Autosomal dominant inheritance. Affected: yes.